The following is an entry in ClinVar:

ClinVar aggregate classification (germline): Uncertain significance (1 of 4 stars; one submission).

Conditions:
Inborn genetic diseases. Identifiers: MedGen C0950123, MeSH D030342.

Submission:

Ambry Genetics
Classification: Uncertain significance for Inborn genetic diseases. Last evaluated: 2024-12-29. Review status: criteria provided, single submitter. Criteria: Ambry Variant Classification Scheme 2023. Collection method: clinical testing. Allele origin: germline.
Comment: The p.G146D variant (also known as c.437G>A), located in coding exon 2 of the GATA2 gene, results from a G to A substitution at nucleotide position 437. The glycine at codon 146 is replaced by aspartic acid, an amino acid with similar properties. This amino acid position is conserved. In addition, the in silico prediction for this alteration is inconclusive. Based on the available evidence, the clinical significance of this variant remains unclear.

NM_032638.5(GATA2):c.437G>A (p.Gly146Asp)

Gene: GATA2 (GATA binding protein 2; minus strand). Cytogenetic location: 3q21.3.
Variant type: single nucleotide variant.
Coding change: c.437G>A on transcript NM_032638.5 (MANE Select); coding-DNA position 437, G replaced by A.
Protein change: p.Gly146Asp; replaces glycine 146 with aspartic acid.
Molecular consequence: missense variant.
Genome position (GRCh38, 1-based): chr3:128,486,161, C>T on the plus strand (G>A on the coding strand, the complement: GATA2 is on the minus strand). VCF-style: chr3-128486161-C-T. GRCh37 (hg19) VCF-style: chr3-128205004-C-T.
Other names: c.437G>A, p.Gly146Asp (NM_001145661.2, NM_001145662.1); short protein forms G146D.
Identifiers: ClinVar variation 3853015 (VCV003853015.1).